The following is an entry in ClinVar:

ClinVar aggregate classification (germline): Uncertain significance (1 of 4 stars; one submission).

Conditions:
Inborn genetic diseases. Identifiers: MedGen C0950123, MeSH D030342.

gnomAD v4.1: 1 of 1,613,954 alleles (0.000062%); highest among the groups gnomAD compares: Non-Finnish European, 0.000085%; no homozygotes.

Submission:

Ambry Genetics
Classification: Uncertain significance for Inborn genetic diseases. Last evaluated: 2023-05-31. Review status: criteria provided, single submitter. Criteria: Ambry Variant Classification Scheme 2023. Collection method: clinical testing. Allele origin: germline.
Comment: The p.L740I variant (also known as c.2218C>A), located in coding exon 10 of the ATR gene, results from a C to A substitution at nucleotide position 2218. The leucine at codon 740 is replaced by isoleucine, an amino acid with highly similar properties. This amino acid position is conserved. In addition, this alteration is predicted to be tolerated by in silico analysis. Since supporting evidence is limited at this time, the clinical significance of this alteration remains unclear.

NM_001184.4(ATR):c.2218C>A (p.Leu740Ile)

Gene: ATR (ATR checkpoint kinase; minus strand). Cytogenetic location: 3q23.
Variant type: single nucleotide variant.
Coding change: c.2218C>A on transcript NM_001184.4 (MANE Select); coding-DNA position 2218, C replaced by A.
Protein change: p.Leu740Ile; replaces leucine 740 with isoleucine.
Molecular consequence: missense variant.
Genome position (GRCh38, 1-based): chr3:142,556,000, G>T on the plus strand (C>A on the coding strand, the complement: ATR is on the minus strand). VCF-style: chr3-142556000-G-T. GRCh37 (hg19) VCF-style: chr3-142274842-G-T.
Other names: c.2026C>A, p.Leu676Ile (NM_001354579.2); short protein forms L676I, L740I.
Identifiers: ClinVar variation 2562505 (VCV002562505.2), dbSNP rs2034657077, ClinGen allele CA354818739.